The following is an entry in ClinVar:

ClinVar aggregate classification (germline): Conflicting classifications of pathogenicity. Review status: criteria provided, conflicting classifications (1 of 4 stars). 4 submissions from 4 submitters: Uncertain significance (3); Likely benign (1). Last evaluated 2026-04-14.

Conditions:
COL18A1-related disorder. Also called: COL18A1-related disorders; COL18A1-related condition.
Inborn genetic diseases. Identifiers: MedGen C0950123, MeSH D030342.

Allele frequency attached by ClinVar (database versions not stated): ExAC 0.00007; gnomAD exomes 0.00007; gnomAD 0.00040 and 0.00042; TOPMed 0.00042; ESP Exome Variant Server 0.00053.
gnomAD v4.1: 119 of 1,548,840 alleles (0.0077%); highest among the groups gnomAD compares: African/African-American, 0.13%; no homozygotes.

Submissions (4):

Ambry Genetics
Classification: Uncertain significance for Inborn genetic diseases. Last evaluated: 2026-04-14. Review status: criteria provided, single submitter. Criteria: Ambry Variant Classification Scheme 2023. Collection method: clinical testing. Allele origin: germline.
Comment: The c.1051C>T (p.P351S) alteration is located in exon 8 (coding exon 8) of the COL18A1 gene. This alteration results from a C to T substitution at nucleotide position 1051, causing the proline (P) at amino acid position 351 to be replaced by a serine (S). Based on data from gnomAD, the T allele has an overall frequency of 0.013% (23/181834) total alleles studied. The highest observed frequency was 0.11% (18/16406) of African alleles. Based on insufficient or conflicting evidence, the clinical significance of this alteration remains unclear.

PreventionGenetics, part of Exact Sciences
Classification: Uncertain significance for COL18A1-related condition. Last evaluated: 2026-02-27. Review status: criteria provided, single submitter. Criteria: ACMG Guidelines, 2015. Collection method: clinical testing. Allele origin: germline.
Comment: The COL18A1 c.1591C>T variant is predicted to result in the amino acid substitution p.Pro531Ser. To our knowledge, this variant has not been reported in the literature. This variant is reported in 0.11% of alleles in individuals of African descent in gnomAD. Although we suspect that this variant may be benign, at this time, the clinical significance of this variant is uncertain due to the absence of conclusive functional and genetic evidence.

Labcorp Genetics (formerly Invitae), Labcorp
Classification: Uncertain significance. Last evaluated: 2022-10-17. Review status: criteria provided, single submitter. Criteria: Invitae Variant Classification Sherloc (09022015). Collection method: clinical testing. Allele origin: germline.
Comment: This sequence change replaces proline, which is neutral and non-polar, with serine, which is neutral and polar, at codon 351 of the COL18A1 protein (p.Pro351Ser). This variant is present in population databases (rs370176315, gnomAD 0.1%). This variant has not been reported in the literature in individuals affected with COL18A1-related conditions. ClinVar contains an entry for this variant (Variation ID: 1438067). Experimental studies and prediction algorithms are not available or were not evaluated, and the functional significance of this variant is currently unknown. In summary, the available evidence is currently insufficient to determine the role of this variant in disease. Therefore, it has been classified as a Variant of Uncertain Significance.

Blueprint Genetics
Classification: Likely benign. Last evaluated: 2022-09-07. Review status: criteria provided, single submitter. Criteria: ACMG Guidelines, 2015. Collection method: clinical testing. Allele origin: germline.

NM_001379500.1(COL18A1):c.1051C>T (p.Pro351Ser)

Gene: COL18A1 (collagen type XVIII alpha 1 chain; plus strand). Cytogenetic location: 21q22.3.
Variant type: single nucleotide variant.
Coding change: c.1051C>T on transcript NM_001379500.1 (MANE Select); coding-DNA position 1051, C replaced by T.
Protein change: p.Pro351Ser; replaces proline 351 with serine.
Molecular consequence: missense variant.
Genome position (GRCh38, 1-based): chr21:45,477,795, C>T. VCF-style: chr21-45477795-C-T. GRCh37 (hg19) VCF-style: chr21-46897709-C-T.
Other names: NM_130445.2:c.1051C>T; c.1591C>T, p.Pro531Ser (NM_030582.4); c.2296C>T, p.Pro766Ser (NM_130444.3); c.1591C>T (NM_030582.3); short protein forms P766S, P531S, P351S.
Identifiers: ClinVar variation 1438067 (VCV001438067.7), dbSNP rs370176315, ClinGen allele CA10066065.